The following is an entry in ClinVar:

NM_001064.4(TKT):c.1793C>A (p.Pro598Gln)

Gene: TKT (transketolase; minus strand). Cytogenetic location: 3p21.1.
Variant type: single nucleotide variant.
Coding change: c.1793C>A on transcript NM_001064.4 (MANE Select); coding-DNA position 1793, C replaced by A.
Protein change: p.Pro598Gln; replaces proline 598 with glutamine.
Molecular consequence: missense variant. On other transcripts: non-coding transcript variant (1).
Genome position (GRCh38, 1-based): chr3:53,225,835, G>T on the plus strand (C>A on the coding strand, the complement: TKT is on the minus strand). VCF-style: chr3-53225835-G-T. GRCh37 (hg19) VCF-style: chr3-53259851-G-T.
Other names: c.1793C>A, p.Pro598Gln (NM_001135055.3); c.1817C>A, p.Pro606Gln (NM_001258028.2); short protein forms P598Q, P606Q.
Identifiers: ClinVar variation 1690595 (VCV001690595.2), dbSNP rs782739264, ClinGen allele CA353229367.

ClinVar aggregate classification (germline): Uncertain significance (1 of 4 stars; one submission).

Submission:

Laboratorio de Genetica e Diagnostico Molecular, Hospital Israelita Albert Einstein
Classification: Uncertain significance. Last evaluated: 2022-03-21. Review status: criteria provided, single submitter. Criteria: ACMG Guidelines, 2015. Collection method: clinical testing. Allele origin: germline. Affected: yes.
Comment: ACMG classification criteria: PM2, PP3